The following is an entry in ClinVar:

ClinVar aggregate classification (germline): Uncertain significance (1 of 4 stars; one submission).

Conditions:
Renal cell carcinoma. Identifiers: Orphanet 217071, MedGen C0007134, MeSH D002292, MONDO:0005086, HP:0005584.

Submission:

Labcorp Genetics (formerly Invitae), Labcorp
Classification: Uncertain significance for Renal cell carcinoma. Last evaluated: 2019-02-08. Review status: criteria provided, single submitter. Criteria: Invitae Variant Classification Sherloc (09022015). Collection method: clinical testing. Allele origin: germline.
Comment: In summary, the available evidence is currently insufficient to determine the role of this variant in disease. Therefore, it has been classified as a Variant of Uncertain Significance. Algorithms developed to predict the effect of missense changes on protein structure and function are either unavailable or do not agree on the potential impact of this missense change (SIFT: "Deleterious"; PolyPhen-2: "Probably Damaging"; Align-GVGD: "Class C0"). This variant has not been reported in the literature in individuals with MET-related conditions. This variant is not present in population databases (ExAC no frequency). This sequence change replaces alanine with proline at codon 361 of the MET protein (p.Ala361Pro). The alanine residue is highly conserved and there is a small physicochemical difference between alanine and proline.

NM_000245.4(MET):c.1081G>C (p.Ala361Pro)

Gene: MET (MET proto-oncogene, receptor tyrosine kinase; plus strand). Cytogenetic location: 7q31.2.
Variant type: single nucleotide variant.
Coding change: c.1081G>C on transcript NM_000245.4 (MANE Select); coding-DNA position 1081, G replaced by C.
Protein change: p.Ala361Pro; replaces alanine 361 with proline.
Molecular consequence: missense variant. On other transcripts: intron variant (1).
Genome position (GRCh38, 1-based): chr7:116,700,165, G>C. VCF-style: chr7-116700165-G-C. GRCh37 (hg19) VCF-style: chr7-116340219-G-C.
Other names: c.1081G>C, p.Ala361Pro (NM_001127500.3, NM_001324401.3); c.-91+27588G>C (NM_001324402.2); short protein forms A361P.
Identifiers: ClinVar variation 835313 (VCV000835313.9), dbSNP rs786202310, ClinGen allele CA368970495.